The following is an entry in ClinVar:

NM_000545.8(HNF1A):c.1501+119G>T

Gene: HNF1A (HNF1 homeobox A; plus strand). Cytogenetic location: 12q24.31.
Variant type: single nucleotide variant.
Coding change: c.1501+119G>T on transcript NM_000545.8 (MANE Select); 119 bases into the intron after coding-DNA position 1501, G replaced by T.
Molecular consequence: intron variant.
Genome position (GRCh38, 1-based): chr12:120,997,784, G>T. VCF-style: chr12-120997784-G-T. GRCh37 (hg19) VCF-style: chr12-121435587-G-T.
Other names: c.1501+119G>T (NM_001306179.2).
Identifiers: ClinVar variation 676877 (VCV000676877.10), dbSNP rs2259816, ClinGen allele CA6832075.

ClinVar aggregate classification (germline): Benign. Review status: criteria provided, multiple submitters, no conflicts (2 of 4 stars). 3 submissions from 3 submitters: Benign (3). Last evaluated 2026-01-19.

Allele frequency attached by ClinVar (database versions not stated): 1000 Genomes Project 30x 0.34963; TOPMed 0.30839; 1000 Genomes Project 0.35883; ExAC 0.44924.
gnomAD v4.1: 383,622 of 1,098,004 alleles (35%); highest among the groups gnomAD compares: Middle Eastern, 55%; 71,682 homozygotes.

Submissions (3):

Labcorp Genetics (formerly Invitae), Labcorp
Classification: Benign. Last evaluated: 2026-01-19. Review status: criteria provided, single submitter. Criteria: Invitae Variant Classification Sherloc (09022015). Collection method: clinical testing. Allele origin: germline.

GeneDx
Classification: Benign. Last evaluated: 2018-06-14. Review status: criteria provided, single submitter. Criteria: GeneDx Variant Classification (06012015). Collection method: clinical testing. Allele origin: germline. Affected: yes.
Comment: This variant is considered likely benign or benign based on one or more of the following criteria: it is a conservative change, it occurs at a poorly conserved position in the protein, it is predicted to be benign by multiple in silico algorithms, and/or has population frequency not consistent with disease.

Breakthrough Genomics
Classification: Benign. Review status: criteria provided, single submitter. Criteria: ACMG Guidelines, 2015. Collection method: not provided. Allele origin: germline. Inheritance: Autosomal dominant inheritance. Affected: yes.